The following is an entry in ClinVar:

ClinVar aggregate classification (germline): Uncertain significance. Review status: criteria provided, multiple submitters, no conflicts (2 of 4 stars). 2 submissions from 2 submitters: Uncertain significance (2). Last evaluated 2024-08-19.

Conditions:
Inborn genetic diseases. Identifiers: MedGen C0950123, MeSH D030342.

Allele frequency attached by ClinVar (database versions not stated): gnomAD exomes below 0.00001; ExAC 0.00002; TOPMed 0.00002.
gnomAD v4.1: 7 of 1,611,922 alleles (0.00043%); highest among the groups gnomAD compares: East Asian, 0.013%; no homozygotes.

Submissions (2):

Ambry Genetics
Classification: Uncertain significance for Inborn genetic diseases. Last evaluated: 2024-08-19. Review status: criteria provided, single submitter. Criteria: Ambry Variant Classification Scheme 2023. Collection method: clinical testing. Allele origin: germline.

Labcorp Genetics (formerly Invitae), Labcorp
Classification: Uncertain significance. Last evaluated: 2024-07-05. Review status: criteria provided, single submitter. Criteria: Invitae Variant Classification Sherloc (09022015). Collection method: clinical testing. Allele origin: germline.
Comment: This sequence change replaces arginine, which is basic and polar, with lysine, which is basic and polar, at codon 66 of the TNFRSF9 protein (p.Arg66Lys). This variant is present in population databases (rs751355710, gnomAD 0.01%). This variant has not been reported in the literature in individuals affected with TNFRSF9-related conditions. ClinVar contains an entry for this variant (Variation ID: 1965700). Algorithms developed to predict the effect of missense changes on protein structure and function output the following: SIFT: "Not Available"; PolyPhen-2: "Benign"; Align-GVGD: "Not Available". The lysine amino acid residue is found in multiple mammalian species, which suggests that this missense change does not adversely affect protein function. In summary, the available evidence is currently insufficient to determine the role of this variant in disease. Therefore, it has been classified as a Variant of Uncertain Significance.

NM_001561.6(TNFRSF9):c.197G>A (p.Arg66Lys)

Gene: TNFRSF9 (TNF receptor superfamily member 9; minus strand). Cytogenetic location: 1p36.23.
Variant type: single nucleotide variant.
Coding change: c.197G>A on transcript NM_001561.6 (MANE Select); coding-DNA position 197, G replaced by A.
Protein change: p.Arg66Lys; replaces arginine 66 with lysine.
Molecular consequence: missense variant.
Genome position (GRCh38, 1-based): chr1:7,938,732, C>T on the plus strand (G>A on the coding strand, the complement: TNFRSF9 is on the minus strand). VCF-style: chr1-7938732-C-T. GRCh37 (hg19) VCF-style: chr1-7998792-C-T.
Other names: c.197G>A (NM_001561.5); short protein forms R66K.
Identifiers: ClinVar variation 1965700 (VCV001965700.6), dbSNP rs751355710, ClinGen allele CA569316.